The following is an entry in ClinVar:

ClinVar aggregate classification (germline): Uncertain significance (1 of 4 stars; one submission).

Conditions:
Autosomal recessive limb-girdle muscular dystrophy type 2A (LGMDR1). Also called: Calpainopathy; MUSCULAR DYSTROPHY, PELVOFEMORAL; LEYDEN-MOEBIUS MUSCULAR DYSTROPHY; Muscular dystrophy, limb-girdle, type 2A, Amish; Limb-girdle muscular dystrophy, type 2A. Identifiers: Orphanet 267, MedGen C1869123, MONDO:0009675, OMIM 253600. Disease mechanism: loss of function.

Submission:

Labcorp Genetics (formerly Invitae), Labcorp
Classification: Uncertain significance for Autosomal recessive limb-girdle muscular dystrophy type 2A. Last evaluated: 2025-10-02. Review status: criteria provided, single submitter. Criteria: Invitae Variant Classification Sherloc (09022015). Collection method: clinical testing. Allele origin: germline.
Comment: This sequence change replaces lysine, which is basic and polar, with glutamic acid, which is acidic and polar, at codon 211 of the CAPN3 protein (p.Lys211Glu). This variant is not present in population databases (gnomAD no frequency). This missense change has been observed in individual(s) with autosomal dominant limb girdle muscular dystrophy (PMID: 12461690). ClinVar contains an entry for this variant (Variation ID: 1471889). An algorithm developed to predict the effect of missense changes on protein structure and function (PolyPhen-2) suggests that this variant is likely to be disruptive. In summary, the available evidence is currently insufficient to determine the role of this variant in disease. Therefore, it has been classified as a Variant of Uncertain Significance.

Literature cited by the submitters: PubMed 12461690.

NM_000070.3(CAPN3):c.631A>G (p.Lys211Glu)

Gene: CAPN3 (calpain 3; plus strand). Cytogenetic location: 15q15.1.
Variant type: single nucleotide variant.
Coding change: c.631A>G on transcript NM_000070.3 (MANE Select); coding-DNA position 631, A replaced by G.
Protein change: p.Lys211Glu; replaces lysine 211 with glutamic acid.
Molecular consequence: missense variant.
Genome position (GRCh38, 1-based): chr15:42,387,885, A>G. VCF-style: chr15-42387885-A-G. GRCh37 (hg19) VCF-style: chr15-42680083-A-G.
Other names: c.631A>G, p.Lys211Glu (NM_024344.2, NM_173087.2); short protein forms K211E.
Identifiers: ClinVar variation 1471889 (VCV001471889.8), dbSNP rs1039308482, ClinGen allele CA269834449.
Genomic context (GRCh38, chr15:42,387,885, plus strand): 5'-TTCACCAAGTCCAACCACCGCAATGAGTTCTGGAGTGCTCTGCTGGAGAAGGCTTATGCT[A>G]AGTAAGCAACACTTTAGAATGTGAGGTGGGGCTAGAGGTGAGAAAGTGGGTTGCAAAATC-3'
Protein context (NP_000061.1, residues 201-221): WSALLEKAYA[Lys211Glu]LHGSYEALKG